The following is an entry in ClinVar:

ClinVar aggregate classification (germline): Conflicting classifications of pathogenicity. Review status: criteria provided, conflicting classifications (1 of 4 stars). 4 submissions from 4 submitters: Pathogenic (1); Uncertain significance (3). Last evaluated 2026-06-09.

Conditions:
Sessile serrated polyposis cancer syndrome (SSPCS). Identifiers: Orphanet 157798, MedGen C4310714, MONDO:0014919, OMIM 617108.

gnomAD v4.1: 7 of 1,613,492 alleles (0.00043%); highest among the groups gnomAD compares: East Asian, 0.0022%; no homozygotes.

Submissions (4):

Ambry Genetics
Classification: Uncertain significance. Last evaluated: 2026-06-09. Review status: criteria provided, single submitter. Criteria: Ambry Variant Classification Scheme 2023. Collection method: clinical testing. Allele origin: germline.
Comment: The p.R519* variant (also known as c.1555C>T), located in coding exon 8 of the RNF43 gene, results from a C to T substitution at nucleotide position 1555. This changes the amino acid from an arginine to a stop codon within coding exon 8. The evidence for this gene-disease relationship is limited; therefore, the clinical significance of this variant is unclear.

Myriad Genetics, Inc.
Classification: Pathogenic for Sessile serrated polyposis cancer syndrome. Last evaluated: 2025-12-15. Review status: criteria provided, single submitter. Criteria: Myriad Autosomal Dominant, Autosomal Recessive and X-Linked Classification Criteria (2023). Collection method: clinical testing. Allele origin: unknown.
Comment: This variant is considered pathogenic. This variant creates a termination codon and is predicted to result in premature protein truncation.

GeneDx
Classification: Uncertain significance. Last evaluated: 2025-04-02. Review status: criteria provided, single submitter. Criteria: GeneDx Variant Classification Process June 2021. Collection method: clinical testing. Allele origin: germline. Affected: yes.
Comment: Nonsense variant predicted to result in protein truncation or nonsense mediated decay in a gene for which loss-of-function is an established mechanism of disease but functional studies suggest gain-of-function might also be a mechanism of action (PMID: 32965059); Not observed at significant frequency in large population cohorts (gnomAD); This variant is associated with the following publications: (PMID: 35158934, 32965059)

Labcorp Genetics (formerly Invitae), Labcorp
Classification: Uncertain significance. Last evaluated: 2024-12-16. Review status: criteria provided, single submitter. Criteria: Invitae Variant Classification Sherloc (09022015). Collection method: clinical testing. Allele origin: germline.
Comment: This sequence change creates a premature translational stop signal (p.Arg519*) in the RNF43 gene. It is expected to result in an absent or disrupted protein product. However, the current clinical and genetic evidence is not sufficient to establish whether loss-of-function variants in RNF43 cause disease. This variant is present in population databases (rs747063415, gnomAD 0.0009%). This variant has not been reported in the literature in individuals affected with RNF43-related conditions. In summary, the available evidence is currently insufficient to determine the role of this variant in disease. Therefore, it has been classified as a Variant of Uncertain Significance.

NM_017763.6(RNF43):c.1555C>T (p.Arg519Ter)

Gene: RNF43 (ring finger protein 43; minus strand). Cytogenetic location: 17q22.
Variant type: single nucleotide variant.
Coding change: c.1555C>T on transcript NM_017763.6 (MANE Select); coding-DNA position 1555, C replaced by T.
Protein change: p.Arg519Ter; replaces arginine 519 with a stop codon.
Molecular consequence: nonsense.
Genome position (GRCh38, 1-based): chr17:58,358,221, G>A on the plus strand (C>T on the coding strand, the complement: RNF43 is on the minus strand). VCF-style: chr17-58358221-G-A. GRCh37 (hg19) VCF-style: chr17-56435582-G-A.
Other names: c.1174C>T, p.Arg392Ter (NM_001305545.2); c.1555C>T, p.Arg519Ter (NM_001305544.3); c.1555C>T (NM_017763.4); short protein forms R519*, R392*.
Identifiers: ClinVar variation 3713160 (VCV003713160.5).
Genomic context (GRCh38, chr17:58,358,221, plus strand): 5'-TGGGCACCACCGAGTCCAAGGAACGAGGCCGAGAGGTCACACTAGGCTGCATGTCCACTC[G>A]CTGGGGATCCCCTTTAGGGCTGCAGTACACTAGGGGGTCAAAGTCACTGCTTAGGGAGCT-3'